The following is an entry in ClinVar:

ClinVar aggregate classification (germline): Pathogenic (1 of 4 stars; one submission).

Conditions:
Osteogenesis imperfecta type I (OI1). Also called: OI, TYPE I; OSTEOGENESIS IMPERFECTA TARDA; OSTEOGENESIS IMPERFECTA WITH BLUE SCLERAE; Osteogenesis imperfecta type 1; Lobstein disease; Lobstein's Disease. Identifiers: Orphanet 216796, Orphanet 666, MedGen C0023931, MONDO:0008146, OMIM 166200. Disease mechanism: loss of function.

Submission:

Labcorp Genetics (formerly Invitae), Labcorp
Classification: Pathogenic for Osteogenesis imperfecta type I. Last evaluated: 2022-09-01. Review status: criteria provided, single submitter. Criteria: Invitae Variant Classification Sherloc (09022015). Collection method: clinical testing. Allele origin: germline.
Comment: For these reasons, this variant has been classified as Pathogenic. This variant is also known as c.610delC. This premature translational stop signal has been observed in individual(s) with osteogenesis imperfecta (PMID: 15241796, 30684648). This variant is not present in population databases (gnomAD no frequency). This sequence change creates a premature translational stop signal (p.Pro205Leufs*60) in the COL1A1 gene. It is expected to result in an absent or disrupted protein product. Loss-of-function variants in COL1A1 are known to be pathogenic (PMID: 7942841, 9295084, 9443882).

Literature cited by the submitters: PubMed 15241796; PubMed 30684648; PubMed 7942841; PubMed 9295084; PubMed 9443882.

NM_000088.4(COL1A1):c.614del (p.Pro205fs)

Gene: COL1A1 (collagen type I alpha 1 chain; minus strand). Cytogenetic location: 17q21.33.
Variant type: Deletion.
Coding change: c.614del on transcript NM_000088.4 (MANE Select); coding-DNA position 614, one base deleted (C; older notation c.614delC).
Protein change: p.Pro205fs; shifts the reading frame from proline 205.
Molecular consequence: frameshift variant.
Genome position (GRCh38, 1-based): chr17:50,197,977, G deleted on the plus strand (C on the coding strand, the reverse complement: COL1A1 is on the minus strand); the first of 5 consecutive G bases (chr17:50,197,977-50,197,981); deleting any one gives the same sequence. VCF-style (leftmost placement, unchanged base first): chr17-50197976-AG-A. GRCh37 (hg19) VCF-style: chr17-48275337-AG-A.
Other names: short protein forms P205fs.
Identifiers: ClinVar variation 2138083 (VCV002138083.4), dbSNP rs72667033, ClinGen allele CA291548103.